The following is an entry in ClinVar:

NM_000059.4(BRCA2):c.6678del (p.Ala2227fs)

Gene: BRCA2 (BRCA2 DNA repair associated; plus strand). Cytogenetic location: 13q13.1.
Variant type: Deletion.
Coding change: c.6678del on transcript NM_000059.4 (MANE Select); coding-DNA position 6678, one base deleted (A; older notation c.6678delA).
Protein change: p.Ala2227fs; shifts the reading frame from alanine 2227.
Molecular consequence: frameshift variant.
Genome position (GRCh38, 1-based): chr13:32,341,033, A deleted; the last of 2 consecutive A bases (chr13:32,341,032-32,341,033); deleting either gives the same sequence. VCF-style (leftmost placement, unchanged base first): chr13-32341031-GA-G. GRCh37 (hg19) VCF-style: chr13-32915168-GA-G.
Other names: 6906delA; c.6678delA (NM_000059.3); short protein forms A2227fs.
Identifiers: ClinVar variation 52154 (VCV000052154.9), dbSNP rs80359620, ClinGen allele CA024281.

ClinVar aggregate classification (germline): Pathogenic. Review status: reviewed by expert panel (3 of 4 stars). 3 submissions from 3 submitters: Pathogenic (1). 2 of the submissions do not count toward it. Last evaluated 2016-09-08.

Conditions:
Hereditary breast ovarian cancer syndrome. Also called: Hereditary breast and ovarian cancer syndrome; Hereditary breast and ovarian cancer; Hereditary breast and ovarian cancer syndrome (HBOC); Breast and ovarian cancer; Hereditary breast and/or ovarian cancer syndrome; BRCA1- and BRCA2-Associated Hereditary Breast and Ovarian Cancer. Identifiers: Orphanet 145, MedGen C0677776, MeSH D061325, MONDO:0003582. Disease mechanism: loss of function.
Breast-ovarian cancer, familial, susceptibility to, 2 (BROVCA2). Also called: BRCA2 Hereditary Breast and Ovarian Cancer. Identifiers: Orphanet 145, MedGen C2675520, MONDO:0012933, OMIM 612555. Disease mechanism: loss of function.

Submissions (3):

Evidence-based Network for the Interpretation of Germline Mutant Alleles (ENIGMA)
Classification: Pathogenic for Breast-ovarian cancer, familial, susceptibility to, 2. Last evaluated: 2016-09-08. Review status: reviewed by expert panel. Criteria: ENIGMA BRCA1/2 Classification Criteria (2015). Collection method: curation. Allele origin: germline.
Comment: Variant allele predicted to encode a truncated non-functional protein.

Labcorp Genetics (formerly Invitae), Labcorp
Classification: Pathogenic for Hereditary breast ovarian cancer syndrome. Last evaluated: 2022-02-25. Review status: criteria provided, single submitter. Criteria: Invitae Variant Classification Sherloc (09022015). Collection method: clinical testing. Allele origin: germline. Not counted in ClinVar's aggregate classification.
Comment: This variant is not present in population databases (gnomAD no frequency). For these reasons, this variant has been classified as Pathogenic. ClinVar contains an entry for this variant (Variation ID: 52154). This premature translational stop signal has been observed in individual(s) with clinical features of hereditary breast and ovarian cancer syndrome (PMID: 27157322). This sequence change creates a premature translational stop signal (p.Ala2227Glnfs*2) in the BRCA2 gene. It is expected to result in an absent or disrupted protein product. Loss-of-function variants in BRCA2 are known to be pathogenic (PMID: 20104584).

Breast Cancer Information Core (BIC) (BRCA2)
Classification: Pathogenic for Breast-ovarian cancer, familial 2. Review status: no assertion criteria provided. Collection method: clinical testing. Allele origin: germline. Affected: yes. Observed: 1 variant allele. Not counted in ClinVar's aggregate classification.

Literature cited by the submitters: PubMed 27157322 (cited by Labcorp Genetics (formerly Invitae), Labcorp); PubMed 20104584 (cited by Labcorp Genetics (formerly Invitae), Labcorp).